The following is an entry in ClinVar:

ClinVar aggregate classification (germline): Likely benign (1 of 4 stars; one submission).

Conditions:
Smith-Lemli-Opitz syndrome (SLOS). Also called: 7-Dehydrocholesterol reductase deficiency; LETHAL ACRODYSGENITAL SYNDROME; POLYDACTYLY, SEX REVERSAL, RENAL HYPOPLASIA, AND UNILOBAR LUNG; RSH SYNDROME; RUTLEDGE LETHAL MULTIPLE CONGENITAL ANOMALY SYNDROME. Identifiers: Orphanet 818, MedGen C0175694, MONDO:0010035, OMIM 270400.

Allele frequency attached by ClinVar (database versions not stated): gnomAD exomes 0.00135; gnomAD 0.01207 and 0.01306; 1000 Genomes Project 0.01278; TOPMed 0.01358; 1000 Genomes Project 30x 0.01499.
gnomAD v4.1: 2,276 of 483,884 alleles (0.47%); highest among the groups gnomAD compares: African/African-American, 4.1%; 47 homozygotes.

Submission:

Illumina Laboratory Services, Illumina
Classification: Likely benign for Smith-Lemli-Opitz syndrome. Last evaluated: 2017-04-27. Review status: criteria provided, single submitter. Criteria: ICSL Variant Classification Criteria 13 December 2019. Collection method: clinical testing. Allele origin: germline.
Comment: This variant was observed as part of a predisposition screen in an ostensibly healthy population. A literature search was performed for the gene, cDNA change, and amino acid change (where applicable). No publications were found based on this search. Allele frequency data from public databases allowed determination this variant is unlikely to cause disease. Therefore, this variant is classified as likely benign.

NM_001360.3(DHCR7):c.*358C>T

Gene: DHCR7 (7-dehydrocholesterol reductase; minus strand). Cytogenetic location: 11q13.4.
Variant type: single nucleotide variant.
Coding change: c.*358C>T on transcript NM_001360.3 (MANE Select); 358 bases downstream of the stop codon, C replaced by T.
Molecular consequence: 3 prime UTR variant.
Genome position (GRCh38, 1-based): chr11:71,435,017, G>A on the plus strand (C>T on the coding strand, the complement: DHCR7 is on the minus strand). VCF-style: chr11-71435017-G-A. GRCh37 (hg19) VCF-style: chr11-71146063-G-A.
Other names: c.*358C>T (NM_001163817.2).
Identifiers: ClinVar variation 883536 (VCV000883536.4), dbSNP rs78575838, ClinGen allele CA224323353.